The following is an entry in ClinVar:

NM_000124.4(ERCC6):c.779_780dup (p.Arg261fs)

Gene: ERCC6 (ERCC excision repair 6, chromatin remodeling factor; minus strand). Cytogenetic location: 10q11.23.
Variant type: Duplication.
Coding change: c.779_780dup on transcript NM_000124.4 (MANE Select); coding-DNA positions 779 to 780, 2 bases duplicated (CC; older notation c.779_780dupCC).
Protein change: p.Arg261fs; shifts the reading frame from arginine 261.
Molecular consequence: frameshift variant.
Genome position (GRCh38, 1-based): chr10:49,524,650-49,524,651, GG duplicated on the plus strand (CC on the coding strand, the reverse complement: ERCC6 is on the minus strand); duplicating any 2 consecutive bases within chr10:49,524,650-49,524,652 gives the same sequence; the c. name uses the placement nearest the transcript's 3' end. VCF-style (leftmost placement, unchanged base first): chr10-49524649-T-TGG. GRCh37 (hg19) VCF-style: chr10-50732695-T-TGG.
Other names: c.779_780dup, p.Arg261fs (NM_001277058.2, NM_001277059.2, NM_001346440.2); c.779_780dupCC (NM_000124.2); short protein forms R261fs.
Identifiers: ClinVar variation 550175 (VCV000550175.8), dbSNP rs1254008304, ClinGen allele CA593780534.

ClinVar aggregate classification (germline): Pathogenic/Likely pathogenic. Review status: criteria provided, multiple submitters, no conflicts (2 of 4 stars). 3 submissions from 3 submitters: Pathogenic (1); Likely pathogenic (1). 1 of the submissions does not count toward it. Last evaluated 2023-02-28.

Conditions:
UV-sensitive syndrome 1 (UVSS1). Identifiers: Orphanet 178338, MedGen C3551173, MONDO:0010909, OMIM 600630.
Cerebrooculofacioskeletal syndrome 1 (COFS1). Also called: Cerebro-oculo-facio-skeletal syndrome 1. Identifiers: MedGen C0220722, MONDO:0008955, OMIM 214150.
Premature ovarian failure 11 (POF11). Identifiers: MedGen C4310783, MONDO:0014843, OMIM 616946.
Age related macular degeneration 5. Identifiers: MedGen C3151063, MONDO:0013409, OMIM 613761.
DE SANCTIS-CACCHIONE SYNDROME. Identifiers: MedGen C0265201, MONDO:0010217, OMIM 278800.
Cockayne syndrome type 2 (CSB). Also called: COCKAYNE SYNDROME B; Cockayne Syndrome, Type II. Identifiers: Orphanet 191, Orphanet 90322, MedGen C0751038, MONDO:0019570, OMIM 133540.
Lung cancer. Also called: Lung cancer, somatic; Malignant tumor of lung. Identifiers: MedGen C0242379, MONDO:0008903, OMIM 211980.

Submissions (3):

Labcorp Genetics (formerly Invitae), Labcorp
Classification: Pathogenic. Last evaluated: 2023-02-28. Review status: criteria provided, single submitter. Criteria: Invitae Variant Classification Sherloc (09022015). Collection method: clinical testing. Allele origin: germline.
Comment: For these reasons, this variant has been classified as Pathogenic. ClinVar contains an entry for this variant (Variation ID: 550175). This variant has not been reported in the literature in individuals affected with ERCC6-related conditions. This variant is present in population databases (no rsID available, gnomAD 0.06%). This sequence change creates a premature translational stop signal (p.Arg261Profs*69) in the ERCC6 gene. It is expected to result in an absent or disrupted protein product. Loss-of-function variants in ERCC6 are known to be pathogenic (PMID: 18628313, 29572252).

Juno Genomics, Hangzhou Juno Genomics, Inc
Classification: Likely pathogenic for UV-sensitive syndrome 1; DE SANCTIS-CACCHIONE SYNDROME; Lung cancer; Age related macular degeneration 5; Cerebrooculofacioskeletal syndrome 1; Cockayne syndrome type 2; Premature ovarian failure 11. Review status: criteria provided, single submitter. Criteria: ACMG Guidelines, 2015. Collection method: clinical testing. Allele origin: germline.
Comment: Absent from controls (or at extremely low frequency if recessive) in Genome Aggregation Database.;Null variant in a gene where loss of function (LOF) is a known mechanism of disease.

Counsyl
Classification: Likely pathogenic for Cockayne syndrome type 2; Cerebrooculofacioskeletal syndrome 1; DE SANCTIS-CACCHIONE SYNDROME. Last evaluated: 2017-01-03. Review status: no assertion criteria provided. Collection method: clinical testing. Allele origin: unknown. Not counted in ClinVar's aggregate classification.

Literature cited by the submitters: PubMed 18628313 (cited by Labcorp Genetics (formerly Invitae), Labcorp); PubMed 29572252 (cited by Labcorp Genetics (formerly Invitae), Labcorp).